The following is an entry in ClinVar:

NM_013432.5(TONSL):c.1862G>A (p.Gly621Glu)

Genes: TONSL (tonsoku like, DNA repair protein; minus strand), TONSL-AS1 (TONSL antisense RNA 1; plus strand). Cytogenetic location: 8q24.3.
Variant type: single nucleotide variant.
Coding change: c.1862G>A on transcript NM_013432.5 (MANE Select); coding-DNA position 1862, G replaced by A.
Protein change: p.Gly621Glu; replaces glycine 621 with glutamic acid.
Molecular consequence: missense variant. On other transcripts: non-coding transcript variant (1).
Genome position (GRCh38, 1-based): chr8:144,436,785, C>T on the plus strand (G>A on the coding strand, the complement: TONSL is on the minus strand). VCF-style: chr8-144436785-C-T. GRCh37 (hg19) VCF-style: chr8-145662168-C-T.
Other names: short protein forms G621E.
Identifiers: ClinVar variation 2065805 (VCV002065805.1), dbSNP rs2537491596, ClinGen allele CA372660987.

ClinVar aggregate classification (germline): Uncertain significance (1 of 4 stars; one submission).

Allele frequency attached by ClinVar (database versions not stated): gnomAD exomes below 0.00001.
gnomAD v4.1: 1 of 1,611,438 alleles (0.000062%); highest among the groups gnomAD compares: Non-Finnish European, 0.000085%; no homozygotes.

Submission:

Labcorp Genetics (formerly Invitae), Labcorp
Classification: Uncertain significance. Last evaluated: 2022-07-06. Review status: criteria provided, single submitter. Criteria: Invitae Variant Classification Sherloc (09022015). Collection method: clinical testing. Allele origin: germline.
Comment: This sequence change replaces glycine, which is neutral and non-polar, with glutamic acid, which is acidic and polar, at codon 621 of the TONSL protein (p.Gly621Glu). This variant is not present in population databases (gnomAD no frequency). This variant has not been reported in the literature in individuals affected with TONSL-related conditions. Algorithms developed to predict the effect of missense changes on protein structure and function (SIFT, PolyPhen-2, Align-GVGD) all suggest that this variant is likely to be disruptive. In summary, the available evidence is currently insufficient to determine the role of this variant in disease. Therefore, it has been classified as a Variant of Uncertain Significance.